The following is an entry in ClinVar:

NM_001271.4(CHD2):c.4784C>T (p.Ser1595Phe)

Gene: CHD2 (chromodomain helicase DNA binding protein 2; plus strand). Cytogenetic location: 15q26.1.
Variant type: single nucleotide variant.
Coding change: c.4784C>T on transcript NM_001271.4 (MANE Select); coding-DNA position 4784, C replaced by T.
Protein change: p.Ser1595Phe; replaces serine 1595 with phenylalanine.
Molecular consequence: missense variant.
Genome position (GRCh38, 1-based): chr15:93,014,787, C>T. VCF-style: chr15-93014787-C-T. GRCh37 (hg19) VCF-style: chr15-93558017-C-T.
Other names: short protein forms S1595F.
Identifiers: ClinVar variation 2702809 (VCV002702809.3), dbSNP rs756260519, ClinGen allele CA393906224.

ClinVar aggregate classification (germline): Uncertain significance (1 of 4 stars; one submission).

Conditions:
Developmental and epileptic encephalopathy 94 (DEE94). Also called: CHD2-Related Neurodevelopmental Disorders; Epileptic encephalopathy, childhood-onset. Identifiers: Orphanet 1942, Orphanet 2382, MedGen C3809278, MONDO:0014150, OMIM 615369.

Allele frequency attached by ClinVar (database versions not stated): TOPMed 0.00001.
gnomAD v4.1: 2 of 1,614,150 alleles (0.00012%); highest among the groups gnomAD compares: African/African-American, 0.0013%; no homozygotes.

Submission:

Labcorp Genetics (formerly Invitae), Labcorp
Classification: Uncertain significance for Developmental and epileptic encephalopathy 94. Last evaluated: 2023-12-13. Review status: criteria provided, single submitter. Criteria: Invitae Variant Classification Sherloc (09022015). Collection method: clinical testing. Allele origin: germline.
Comment: This sequence change replaces serine, which is neutral and polar, with phenylalanine, which is neutral and non-polar, at codon 1595 of the CHD2 protein (p.Ser1595Phe). This variant is not present in population databases (gnomAD no frequency). This variant has not been reported in the literature in individuals affected with CHD2-related conditions. Advanced modeling of protein sequence and biophysical properties (such as structural, functional, and spatial information, amino acid conservation, physicochemical variation, residue mobility, and thermodynamic stability) performed at Invitae indicates that this missense variant is not expected to disrupt CHD2 protein function with a negative predictive value of 95%. In summary, the available evidence is currently insufficient to determine the role of this variant in disease. Therefore, it has been classified as a Variant of Uncertain Significance.